The following is an entry in ClinVar:

ClinVar aggregate classification (germline): Conflicting classifications of pathogenicity. Review status: criteria provided, conflicting classifications (1 of 4 stars). 4 submissions from 4 submitters: Uncertain significance (2); Likely benign (2). Last evaluated 2026-02-03.

Conditions:
Nephronophthisis 14 (NPHP14). Identifiers: Orphanet 2318, MedGen C3539071, MONDO:0013916, OMIM 614844.
ZNF423-related disorder. Also called: ZNF423-related condition.

Allele frequency attached by ClinVar (database versions not stated): ExAC 0.00017; gnomAD exomes 0.00018 and 0.00024; ESP Exome Variant Server 0.00054; gnomAD 0.00055 and 0.00060; TOPMed 0.00057; 1000 Genomes Project 30x 0.00062; 1000 Genomes Project 0.00080.
gnomAD v4.1: 343 of 1,586,134 alleles (0.022%); highest among the groups gnomAD compares: African/African-American, 0.12%; no homozygotes.

Submissions (4):

PreventionGenetics, part of Exact Sciences
Classification: Likely benign for ZNF423-related condition. Last evaluated: 2026-02-03. Review status: criteria provided, single submitter. Criteria: ACMG Guidelines, 2015. Collection method: clinical testing. Allele origin: germline.
Comment: This variant is classified as likely benign based on ACMG/AMP sequence variant interpretation guidelines (Richards et al. 2015 PMID: 25741868, with internal and published modifications).

Blueprint Genetics
Classification: Likely benign. Last evaluated: 2024-11-06. Review status: criteria provided, single submitter. Criteria: ACMG Guidelines, 2015. Collection method: clinical testing. Allele origin: germline.

Ambry Genetics
Classification: Uncertain significance. Last evaluated: 2024-10-07. Review status: criteria provided, single submitter. Criteria: Ambry Variant Classification Scheme 2023. Collection method: clinical testing. Allele origin: germline.

Labcorp Genetics (formerly Invitae), Labcorp
Classification: Uncertain significance for Nephronophthisis 14. Last evaluated: 2022-10-25. Review status: criteria provided, single submitter. Criteria: Invitae Variant Classification Sherloc (09022015). Collection method: clinical testing. Allele origin: germline.
Comment: This sequence change replaces glycine, which is neutral and non-polar, with serine, which is neutral and polar, at codon 1094 of the ZNF423 protein (p.Gly1094Ser). This variant is present in population databases (rs139931382, gnomAD 0.09%). This variant has not been reported in the literature in individuals affected with ZNF423-related conditions. ClinVar contains an entry for this variant (Variation ID: 856362). Advanced modeling of protein sequence and biophysical properties (such as structural, functional, and spatial information, amino acid conservation, physicochemical variation, residue mobility, and thermodynamic stability) performed at Invitae indicates that this missense variant is not expected to disrupt ZNF423 protein function. In summary, the available evidence is currently insufficient to determine the role of this variant in disease. Therefore, it has been classified as a Variant of Uncertain Significance.

NM_001379286.1(ZNF423):c.3304G>A (p.Gly1102Ser)

Gene: ZNF423 (zinc finger protein 423; minus strand). Cytogenetic location: 16q12.1.
Variant type: single nucleotide variant.
Coding change: c.3304G>A on transcript NM_001379286.1 (MANE Select); coding-DNA position 3304, G replaced by A.
Protein change: p.Gly1102Ser; replaces glycine 1102 with serine.
Molecular consequence: missense variant.
Genome position (GRCh38, 1-based): chr16:49,635,872, C>T on the plus strand (G>A on the coding strand, the complement: ZNF423 is on the minus strand). VCF-style: chr16-49635872-C-T. GRCh37 (hg19) VCF-style: chr16-49669783-C-T.
Other names: c.3100G>A, p.Gly1034Ser (NM_001271620.2); c.2929G>A, p.Gly977Ser (NM_001330533.2); c.3280G>A, p.Gly1094Ser (NM_015069.5); c.3280G>A (NM_015069.4, NM_015069.2); short protein forms G977S, G1034S, G1094S, G1102S.
Identifiers: ClinVar variation 856362 (VCV000856362.9), dbSNP rs139931382, ClinGen allele CA8046340.
Genomic context (GRCh38, chr16:49,635,872, plus strand): 5'-CGGCGGGCTCGGGCGGGGCCAGGCCACCCACCTGTCCGTTGGCGCTGCGGGCCATGCAGC[C>T]GGCGCAGAGGCCGTAGGGCAGCCCATTGACGTCAAGCTTCACCAGGTCCTGCTTGCTGCG-3'
Protein context (NP_001366215.1, residues 1092-1112): VNGLPYGLCA[Gly1102Ser]CMARSANGQV